The following is an entry in ClinVar:

ClinVar aggregate classification (germline): Uncertain significance (1 of 4 stars; one submission).

Conditions:
Hereditary cancer-predisposing syndrome. Also called: Tumor predisposition; Neoplastic Syndromes, Hereditary; Hereditary neoplastic syndrome; Hereditary Cancer Syndrome. Identifiers: Orphanet 140162, MedGen C0027672, MeSH D009386, MONDO:0015356.

gnomAD v4.1: 1 of 1,613,924 alleles (0.000062%); highest among the groups gnomAD compares: Non-Finnish European, 0.000085%; no homozygotes.

Submission:

Molecular Diagnostics Laboratory, Catalan Institute of Oncology
Classification: Uncertain significance for Hereditary cancer-predisposing syndrome. Last evaluated: 2025-05-25. Review status: criteria provided, single submitter. Criteria: ClinGen BRCA1BRCA2 ACMG Specifications BRCA2 V1.0.0. Collection method: clinical testing. Allele origin: germline.
Comment: PM2_Supporting, BP4 c.8408T>A, located in exon 19 of the BRCA2 gene, is predicted to result in the substitution of Leucine by Glutamine at codon 2803, p.(Leu2803Gln). It is not present in the population database gnomAD v2.1.1, non cancer dataset (PM2_Supporting). The SpliceAI algorithm predicts no significant impact on splicing and the BayesDel_noAF predictor score for this variant (0.11) suggests that it does not affect the protein function (BP4). To our knowledge, neither multifactorial analysis nor well-stablished functional studies have been reported for this variant. Also, it has not been reported neither in ClinVar, BRCA Exchange nor in LOVD databases. Based on the currently available information, c.8408T>A is classified as an uncertain significance variant according to ClinGen-BRCA2 Guidelines version 1.

NM_000059.4(BRCA2):c.8408T>A (p.Leu2803Gln)

Gene: BRCA2 (BRCA2 DNA repair associated; plus strand). Cytogenetic location: 13q13.1.
Variant type: single nucleotide variant.
Coding change: c.8408T>A on transcript NM_000059.4 (MANE Select); coding-DNA position 8408, T replaced by A.
Protein change: p.Leu2803Gln; replaces leucine 2803 with glutamine.
Molecular consequence: missense variant. On other transcripts: non-coding transcript variant (1).
Genome position (GRCh38, 1-based): chr13:32,370,478, T>A. VCF-style: chr13-32370478-T-A. GRCh37 (hg19) VCF-style: chr13-32944615-T-A.
Other names: c.8312T>A, p.Leu2771Gln (NM_001406719.1); c.8408T>A, p.Leu2803Gln (NM_001406720.1, NM_001432077.1); c.3476T>A, p.Leu1159Gln (NM_001406721.1); c.1991T>A, p.Leu664Gln (NM_001406722.1); short protein forms L1159Q, L2771Q, L2803Q, L664Q.
Identifiers: ClinVar variation 4082325 (VCV004082325.1).